The following is an entry in ClinVar:

ClinVar aggregate classification (germline): Uncertain significance (1 of 4 stars; one submission).

Conditions:
Catecholaminergic polymorphic ventricular tachycardia (CVPT). Also called: Catecholamine-induced polymorphic ventricular tachycardia. Identifiers: Orphanet 3286, MedGen C5574922, MONDO:0017990.

Submission:

All of Us Research Program, National Institutes of Health
Classification: Uncertain significance for Catecholaminergic polymorphic ventricular tachycardia. Last evaluated: 2024-03-05. Review status: criteria provided, single submitter. Criteria: ACMG Guidelines, 2015. Collection method: clinical testing. Allele origin: germline. Inheritance: Autosomal dominant inheritance. Observed: 2 variant alleles, 2 heterozygotes.
Comment: This missense variant replaces histidine with glutamine at codon 2868 of the RYR2 protein. Computational prediction suggests that this variant may have deleterious impact on protein structure and function (internally defined REVEL score threshold >= 0.7, PMID: 27666373). To our knowledge, functional studies have not been reported for this variant. This variant has not been reported in individuals affected with RYR2-related disorders in the literature. This variant has not been identified in the general population by the Genome Aggregation Database (gnomAD). The available evidence is insufficient to determine the role of this variant in disease conclusively. Therefore, this variant is classified as a Variant of Uncertain Significance.

This study involves interpretation of variants in research participants for the purpose of population health screening. Participant phenotype was not available at the time of variant classification. Additional details can be found in publication PMID: 35346344, PMCID: PMC8962531

NM_001035.3(RYR2):c.8604T>G (p.His2868Gln)

Gene: RYR2 (ryanodine receptor 2; plus strand). Cytogenetic location: 1q43.
Variant type: single nucleotide variant.
Coding change: c.8604T>G on transcript NM_001035.3 (MANE Select); coding-DNA position 8604, T replaced by G.
Protein change: p.His2868Gln; replaces histidine 2868 with glutamine.
Molecular consequence: missense variant.
Genome position (GRCh38, 1-based): chr1:237,674,109, T>G. VCF-style: chr1-237674109-T-G. GRCh37 (hg19) VCF-style: chr1-237837409-T-G.
Other names: short protein forms H2868Q.
Identifiers: ClinVar variation 3072772 (VCV003072772.2), dbSNP rs2547212897, ClinGen allele CA345402938.